The following is an entry in ClinVar:

NM_030662.4(MAP2K2):c.1007G>A (p.Gly336Asp)

Gene: MAP2K2 (mitogen-activated protein kinase kinase 2; minus strand). Cytogenetic location: 19p13.3.
Variant type: single nucleotide variant.
Coding change: c.1007G>A on transcript NM_030662.4 (MANE Select); coding-DNA position 1007, G replaced by A.
Protein change: p.Gly336Asp; replaces glycine 336 with aspartic acid.
Molecular consequence: missense variant.
Genome position (GRCh38, 1-based): chr19:4,095,427, C>T on the plus strand (G>A on the coding strand, the complement: MAP2K2 is on the minus strand). VCF-style: chr19-4095427-C-T. GRCh37 (hg19) VCF-style: chr19-4095425-C-T.
Other names: short protein forms G336D.
Identifiers: ClinVar variation 1920530 (VCV001920530.5), dbSNP rs779065052, ClinGen allele CA304447547.
Genomic context (GRCh38, chr19:4,095,427, plus strand): 5'-GGGCAGCCCGGCTCCACCTACCATTTATTGACAAACTCCTGGAAGTCGGGGGTGAACACA[C>T]CGTTGGGCAGCTTAGGAGGTGGCTGTGGAGGAGAACAGAGGGTGGGGTCAGCCCTGGGCA-3'
Protein context (NP_109587.1, residues 326-346): VNEPPPKLPN[Gly336Asp]VFTPDFQEFV

ClinVar aggregate classification (germline): Uncertain significance (1 of 4 stars; one submission).

Conditions:
RASopathy. Also called: rasopathies; Noonan spectrum disorder. Identifiers: Orphanet 536391, MedGen C5555857, MONDO:0021060.

Allele frequency attached by ClinVar (database versions not stated): gnomAD exomes below 0.00001; gnomAD 0.00001; TOPMed 0.00001.
gnomAD v4.1: 6 of 1,551,208 alleles (0.00039%); highest among the groups gnomAD compares: Admixed American, 0.002%; no homozygotes.

Submission:

Labcorp Genetics (formerly Invitae), Labcorp
Classification: Uncertain significance for RASopathy. Last evaluated: 2024-12-18. Review status: criteria provided, single submitter. Criteria: Invitae Variant Classification Sherloc (09022015). Collection method: clinical testing. Allele origin: germline.
Comment: This sequence change replaces glycine, which is neutral and non-polar, with aspartic acid, which is acidic and polar, at codon 336 of the MAP2K2 protein (p.Gly336Asp). This variant is not present in population databases (gnomAD no frequency). This variant has not been reported in the literature in individuals affected with MAP2K2-related conditions. ClinVar contains an entry for this variant (Variation ID: 1920530). Invitae Evidence Modeling of protein sequence and biophysical properties (such as structural, functional, and spatial information, amino acid conservation, physicochemical variation, residue mobility, and thermodynamic stability) indicates that this missense variant is not expected to disrupt MAP2K2 protein function with a negative predictive value of 95%. In summary, the available evidence is currently insufficient to determine the role of this variant in disease. Therefore, it has been classified as a Variant of Uncertain Significance.